The following is an entry in ClinVar:

ClinVar aggregate classification (germline): Benign (1 of 4 stars; one submission).

Allele frequency attached by ClinVar (database versions not stated): TOPMed 0.10568; 1000 Genomes Project 0.11821; 1000 Genomes Project 30x 0.11930; gnomAD 0.14174.
gnomAD v4.1: 18,564 of 152,120 alleles (12%); highest among the groups gnomAD compares: South Asian, 18%; 1,319 homozygotes.

Submission:

GeneDx
Classification: Benign. Last evaluated: 2018-06-19. Review status: criteria provided, single submitter. Criteria: GeneDx Variant Classification (06012015). Collection method: clinical testing. Allele origin: germline. Affected: yes.
Comment: This variant is considered likely benign or benign based on one or more of the following criteria: it is a conservative change, it occurs at a poorly conserved position in the protein, it is predicted to be benign by multiple in silico algorithms, and/or has population frequency not consistent with disease.

NM_020822.3(KCNT1):c.541-225C>T

Gene: KCNT1 (potassium sodium-activated channel subfamily T member 1; plus strand). Cytogenetic location: 9q34.3.
Variant type: single nucleotide variant.
Coding change: c.541-225C>T on transcript NM_020822.3 (MANE Select); 225 bases into the intron before coding-DNA position 541, C replaced by T.
Molecular consequence: intron variant.
Genome position (GRCh38, 1-based): chr9:135,756,648, C>T. VCF-style: chr9-135756648-C-T. GRCh37 (hg19) VCF-style: chr9-138648494-C-T.
Other names: c.397-225C>T (NM_001272003.2).
Identifiers: ClinVar variation 682098 (VCV000682098.1), dbSNP rs66469249, ClinGen allele CA13003868.